The following is an entry in ClinVar:

NM_000051.4(ATM):c.5177+10_5177+13del

Gene: ATM (ATM serine/threonine kinase; plus strand). Cytogenetic location: 11q22.3.
Variant type: Microsatellite.
Coding change: c.5177+10_5177+13del on transcript NM_000051.4 (MANE Select); bases 10 to 13 of the intron after coding-DNA position 5177, 4 bases deleted (TATT; older notation c.5177+10_5177+13delTATT).
Molecular consequence: intron variant.
Genome position (GRCh38, 1-based): chr11:108,299,895-108,299,898, TATT deleted; deleting any 4 consecutive bases within chr11:108,299,891-108,299,898 gives the same sequence; the c. name uses the placement nearest the transcript's 3' end. VCF-style (leftmost placement, unchanged base first): chr11-108299890-GTATT-G. GRCh37 (hg19) VCF-style: chr11-108170617-GTATT-G.
Other names: c.5177+10_5177+13del (NM_001351834.2).
Identifiers: ClinVar variation 2105608 (VCV002105608.5), dbSNP rs2546965977, ClinGen allele CA2580615022.

ClinVar aggregate classification (germline): Likely benign. Review status: criteria provided, multiple submitters, no conflicts (2 of 4 stars). 2 submissions from 2 submitters: Likely benign (2). Last evaluated 2025-02-19.

Conditions:
Familial cancer of breast. Also called: Hereditary breast cancer; BREAST CANCER, FAMILIAL; hereditary breast carcinoma. Identifiers: Orphanet 227535, MedGen C0346153, MONDO:0016419, OMIM 114480. Disease mechanism: loss of function.
Ataxia-telangiectasia syndrome (AT). Also called: AT, COMPLEMENTATION GROUP C; Ataxia telangiectasia (A-T); LOUIS-BAR SYNDROME; Ataxia-telangiectasia, complementation group D; Ataxia-telangiectasia, complementation group E; ATAXIA-TELANGIECTASIA, COMPLEMENTATION GROUP A. Identifiers: Orphanet 100, MedGen C0004135, MONDO:0008840, OMIM 208900.

Submissions (2):

Labcorp Genetics (formerly Invitae), Labcorp
Classification: Likely benign for Ataxia-telangiectasia syndrome. Last evaluated: 2025-02-19. Review status: criteria provided, single submitter. Criteria: Invitae Variant Classification Sherloc (09022015). Collection method: clinical testing. Allele origin: germline.

Myriad Genetics, Inc.
Classification: Likely benign for Familial cancer of breast. Last evaluated: 2024-05-22. Review status: criteria provided, single submitter. Criteria: Myriad Autosomal Dominant, Autosomal Recessive and X-Linked Classification Criteria (2023). Collection method: clinical testing. Allele origin: unknown.
Comment: This variant is considered likely benign. This variant is intronic and is not expected to impact mRNA splicing.